The following is an entry in ClinVar:

NM_152564.5(VPS13B):c.2651-10T>G

Gene: VPS13B (vacuolar protein sorting 13 homolog B; plus strand). Cytogenetic location: 8q22.2.
Variant type: single nucleotide variant.
Coding change: c.2651-10T>G on transcript NM_152564.5 (MANE Select); 10 bases into the intron before coding-DNA position 2651, T replaced by G.
Molecular consequence: intron variant.
Genome position (GRCh38, 1-based): chr8:99,275,071, T>G. VCF-style: chr8-99275071-T-G. GRCh37 (hg19) VCF-style: chr8-100287299-T-G.
Other names: c.2651-10T>G (NM_152564.4, NM_017890.5).
Identifiers: ClinVar variation 95841 (VCV000095841.18), dbSNP rs398124330, ClinGen allele CA223411.

ClinVar aggregate classification (germline): Conflicting classifications of pathogenicity. Review status: criteria provided, conflicting classifications (1 of 4 stars). 5 submissions from 5 submitters: Uncertain significance (1); Likely benign (2). 2 of the submissions do not count toward it. Last evaluated 2024-05-14.

Conditions:
VPS13B-related disorder. Also called: VPS13B-related condition.
Cohen syndrome (COH1). Also called: PEPPER SYNDROME; Cutis verticis gyrata, retinitis pigmentosa, and sensorineural deafness. Identifiers: Orphanet 193, MedGen C0265223, MONDO:0008999, OMIM 216550.

Allele frequency attached by ClinVar (database versions not stated): gnomAD exomes below 0.00001; TOPMed below 0.00001; ExAC 0.00001; gnomAD 0.00001.
gnomAD v4.1: 9 of 1,590,154 alleles (0.00057%); highest among the groups gnomAD compares: Non-Finnish European, 0.000085%; no homozygotes.

Submissions (5):

Blueprint Genetics
Classification: Likely benign. Last evaluated: 2024-05-14. Review status: criteria provided, single submitter. Criteria: ACMG Guidelines, 2015. Collection method: clinical testing. Allele origin: germline.

Labcorp Genetics (formerly Invitae), Labcorp
Classification: Likely benign for Cohen syndrome. Last evaluated: 2024-03-01. Review status: criteria provided, single submitter. Criteria: Invitae Variant Classification Sherloc (09022015). Collection method: clinical testing. Allele origin: germline.

Eurofins Ntd Llc (ga)
Classification: Uncertain significance. Last evaluated: 2013-04-30. Review status: criteria provided, single submitter. Criteria: EGL Classification Definitions 2015. Collection method: clinical testing. Allele origin: germline. Observed: 1 variant allele, 1 heterozygote.

PreventionGenetics, part of Exact Sciences
Classification: Likely benign for VPS13B-related condition. Last evaluated: 2023-08-24. Review status: no assertion criteria provided. Collection method: clinical testing. Allele origin: germline. Not counted in ClinVar's aggregate classification.
Comment: This variant is classified as likely benign based on ACMG/AMP sequence variant interpretation guidelines (Richards et al. 2015 PMID: 25741868, with internal and published modifications).

Counsyl
Classification: Uncertain significance for Cohen syndrome. Last evaluated: 2017-02-07. Review status: no assertion criteria provided. Collection method: clinical testing. Allele origin: unknown. Not counted in ClinVar's aggregate classification.